The following is an entry in ClinVar:

ClinVar aggregate classification (germline): Uncertain significance. Review status: criteria provided, multiple submitters, no conflicts (2 of 4 stars). 2 submissions from 2 submitters: Uncertain significance (2). Last evaluated 2022-01-25.

gnomAD v4.1: 3 of 1,211,897 alleles (0.00025%); highest among the groups gnomAD compares: South Asian, 0.0018%; no homozygotes.

Submissions (2):

AiLife Diagnostics
Classification: Uncertain significance. Last evaluated: 2022-01-25. Review status: criteria provided, single submitter. Criteria: ACMG Guidelines, 2015. Collection method: clinical testing. Allele origin: germline. Affected: yes. Observed: 1 variant allele.

GeneDx
Classification: Uncertain significance. Last evaluated: 2020-01-28. Review status: criteria provided, single submitter. Criteria: GeneDx Variant Classification Process June 2021. Collection method: clinical testing. Allele origin: germline. Affected: yes.
Comment: Not observed in large population cohorts (Lek et al., 2016); In silico analysis, which includes protein predictors and evolutionary conservation, supports that this variant does not alter protein structure/function; Has not been previously published as pathogenic or benign to our knowledge

NM_001110556.2(FLNA):c.5185G>A (p.Glu1729Lys)

Gene: FLNA (filamin A; minus strand). Cytogenetic location: Xq28.
Variant type: single nucleotide variant.
Coding change: c.5185G>A on transcript NM_001110556.2 (MANE Select); coding-DNA position 5185, G replaced by A.
Protein change: p.Glu1729Lys; replaces glutamic acid 1729 with lysine.
Molecular consequence: missense variant.
Genome position (GRCh38, 1-based): chrX:154,354,857, C>T on the plus strand (G>A on the coding strand, the complement: FLNA is on the minus strand). VCF-style: chrX-154354857-C-T. GRCh37 (hg19) VCF-style: chrX-153583225-C-T.
Other names: c.5161G>A, p.Glu1721Lys (NM_001456.4); short protein forms E1721K, E1729K.
Identifiers: ClinVar variation 1311688 (VCV001311688.3), dbSNP rs2148107373, ClinGen allele CA415207273.